The following is an entry in ClinVar:

ClinVar aggregate classification (germline): Uncertain significance (1 of 4 stars; one submission).

Allele frequency attached by ClinVar (database versions not stated): TOPMed 0.00008; ExAC 0.00011; gnomAD 0.00011; gnomAD exomes 0.00006.
gnomAD v4.1: 104 of 1,614,096 alleles (0.0064%); highest among the groups gnomAD compares: Admixed American, 0.013%; no homozygotes.

Submission:

GeneDx
Classification: Uncertain significance. Last evaluated: 2024-05-17. Review status: criteria provided, single submitter. Criteria: GeneDx Variant Classification Process June 2021. Collection method: clinical testing. Allele origin: germline.
Comment: In silico analysis supports that this missense variant has a deleterious effect on protein structure/function; Has not been previously published as pathogenic or benign to our knowledge

NM_001543.5(NDST1):c.905C>T (p.Thr302Met)

Gene: NDST1 (N-deacetylase and N-sulfotransferase 1; plus strand). Cytogenetic location: 5q33.1.
Variant type: single nucleotide variant.
Coding change: c.905C>T on transcript NM_001543.5 (MANE Select); coding-DNA position 905, C replaced by T.
Protein change: p.Thr302Met; replaces threonine 302 with methionine.
Molecular consequence: missense variant.
Genome position (GRCh38, 1-based): chr5:150,528,195, C>T. VCF-style: chr5-150528195-C-T. GRCh37 (hg19) VCF-style: chr5-149907757-C-T.
Other names: c.905C>T, p.Thr302Met (NM_001301063.2); short protein forms T302M.
Identifiers: ClinVar variation 1810571 (VCV001810571.2), dbSNP rs148852608, ClinGen allele CA3512514.